The following is an entry in ClinVar:

NM_004304.5(ALK):c.2756G>T (p.Gly919Val)

Gene: ALK (ALK receptor tyrosine kinase; minus strand). Cytogenetic location: 2p23.2.
Variant type: single nucleotide variant.
Coding change: c.2756G>T on transcript NM_004304.5 (MANE Select); coding-DNA position 2756, G replaced by T.
Protein change: p.Gly919Val; replaces glycine 919 with valine.
Molecular consequence: missense variant.
Genome position (GRCh38, 1-based): chr2:29,228,943, C>A on the plus strand (G>T on the coding strand, the complement: ALK is on the minus strand). VCF-style: chr2-29228943-C-A. GRCh37 (hg19) VCF-style: chr2-29451809-C-A.
Other names: short protein forms G919V.
Identifiers: ClinVar variation 5035186 (VCV005035186.1).

ClinVar aggregate classification (germline): Uncertain significance (1 of 4 stars; one submission).

Conditions:
Hereditary cancer-predisposing syndrome. Also called: Hereditary Cancer Syndrome; Neoplastic Syndromes, Hereditary; Tumor predisposition; Hereditary neoplastic syndrome. Identifiers: Orphanet 140162, MedGen C0027672, MeSH D009386, MONDO:0015356.

Submission:

Ambry Genetics
Classification: Uncertain significance for Hereditary cancer-predisposing syndrome. Last evaluated: 2026-07-05. Review status: criteria provided, single submitter. Criteria: Ambry Variant Classification Scheme 2023. Collection method: clinical testing. Allele origin: germline.
Comment: The p.G919V variant (also known as c.2756G>T), located in coding exon 16 of the ALK gene, results from a G to T substitution at nucleotide position 2756. The glycine at codon 919 is replaced by valine, an amino acid with dissimilar properties. This amino acid position is conserved. In addition, the in silico prediction for this alteration is inconclusive. Based on the available evidence, the clinical significance of this variant remains unclear.